The following is an entry in ClinVar:

ClinVar aggregate classification (germline): Likely benign. Review status: criteria provided, multiple submitters, no conflicts (2 of 4 stars). 7 submissions from 7 submitters: Likely benign (2). 5 of the submissions do not count toward it. Last evaluated 2025-10-15.

Conditions:
MYH6-related disorder. Also called: MYH6-related condition; MYH6-Related Disorders.
Cardiovascular phenotype. Identifiers: MedGen CN230736.
Hypertrophic cardiomyopathy 14. Identifiers: MedGen C2750467, MONDO:0013197, OMIM 613251.

Allele frequency attached by ClinVar (database versions not stated): ExAC 0.00002; gnomAD exomes 0.00003; gnomAD 0.00005; TOPMed 0.00005; ESP Exome Variant Server 0.00008.
gnomAD v4.1: 48 of 1,613,656 alleles (0.003%); highest among the groups gnomAD compares: East Asian, 0.0067%; no homozygotes.

Submissions (7):

Labcorp Genetics (formerly Invitae), Labcorp
Classification: Likely benign for Hypertrophic cardiomyopathy 14. Last evaluated: 2025-10-15. Review status: criteria provided, single submitter. Criteria: Invitae Variant Classification Sherloc (09022015). Collection method: clinical testing. Allele origin: germline.

Ambry Genetics
Classification: Likely benign for Cardiovascular phenotype. Last evaluated: 2019-08-02. Review status: criteria provided, single submitter. Criteria: Ambry Variant Classification Scheme 2023. Collection method: clinical testing. Allele origin: germline.

PreventionGenetics, part of Exact Sciences
Classification: Likely benign for MYH6-related condition. Last evaluated: 2020-11-02. Review status: no assertion criteria provided. Collection method: clinical testing. Allele origin: germline. Not counted in ClinVar's aggregate classification.
Comment: This variant is classified as likely benign based on ACMG/AMP sequence variant interpretation guidelines (Richards et al. 2015 PMID: 25741868, with internal and published modifications).

Clinical Genetics DNA and cytogenetics Diagnostics Lab, Erasmus MC, Erasmus Medical Center
Classification: Likely benign. Review status: no assertion criteria provided. Collection method: clinical testing. Allele origin: germline. Affected: yes. Study: VKGL Data-share Consensus. Not counted in ClinVar's aggregate classification.

Clinical Genetics, Academic Medical Center
Classification: Benign. Review status: no assertion criteria provided. Collection method: clinical testing. Allele origin: germline. Affected: yes. Study: VKGL Data-share Consensus. Not counted in ClinVar's aggregate classification.

Diagnostic Laboratory, Department of Genetics, University Medical Center Groningen
Classification: Likely benign. Review status: no assertion criteria provided. Collection method: clinical testing. Allele origin: germline. Affected: yes. Study: VKGL Data-share Consensus. Not counted in ClinVar's aggregate classification.

Genome Diagnostics Laboratory, University Medical Center Utrecht
Classification: Likely benign. Review status: no assertion criteria provided. Collection method: clinical testing. Allele origin: germline. Affected: yes. Study: VKGL Data-share Consensus. Not counted in ClinVar's aggregate classification.

NM_002471.4(MYH6):c.5427A>C (p.Gly1809=)

Gene: MYH6 (myosin heavy chain 6; minus strand). Cytogenetic location: 14q11.2.
Variant type: single nucleotide variant.
Coding change: c.5427A>C on transcript NM_002471.4 (MANE Select); coding-DNA position 5427, A replaced by C.
Protein change: p.Gly1809=; no amino-acid change (glycine 1809 retained).
Molecular consequence: synonymous variant.
Genome position (GRCh38, 1-based): chr14:23,384,580, T>G on the plus strand (A>C on the coding strand, the complement: MYH6 is on the minus strand). VCF-style: chr14-23384580-T-G. GRCh37 (hg19) VCF-style: chr14-23853789-T-G.
Identifiers: ClinVar variation 807071 (VCV000807071.28), dbSNP rs149294569, ClinGen allele CA7114434.
Genomic context (GRCh38, chr14:23,384,580, plus strand): 5'-CTCCAGCTCACCCTCCAGCTCCCGCACCCGCGCTTCCAGCTTCTGCAGCTGCTTCTTGCC[T>G]CCCTTGAGGGCGATCTGCTCGGCCTCGTCCAGCCGGTGCTGCAGGTCCTTAATGGTCTGC-3'
Protein context (NP_002462.2, residues 1799-1819): LDEAEQIALK[Gly1809=]GKKQLQKLEA